The following is an entry in ClinVar:

ClinVar aggregate classification (germline): Likely benign. Review status: criteria provided, multiple submitters, no conflicts (2 of 4 stars). 6 submissions from 6 submitters: Likely benign (6). Last evaluated 2025-09-29.

Conditions:
Cardiomyopathy (CMYO). Also called: Cardiomyopathies. Identifiers: Orphanet 167848, MedGen C0878544, MONDO:0004994, HP:0001638. Inheritance: Various modes of inheritance.
Cardiovascular phenotype. Identifiers: MedGen CN230736.
Hypertrophic cardiomyopathy. Also called: HYPERTROPHIC MYOCARDIOPATHY. Identifiers: Orphanet 217569, MedGen C0007194, MeSH D002312, MONDO:0005045, HP:0001639.

Allele frequency attached by ClinVar (database versions not stated): gnomAD 0.00001; TOPMed 0.00001; gnomAD exomes 0.00002; ExAC 0.00007.
gnomAD v4.1: 93 of 1,584,644 alleles (0.0059%); highest among the groups gnomAD compares: Non-Finnish European, 0.0075%; no homozygotes.

Submissions (6):

Labcorp Genetics (formerly Invitae), Labcorp
Classification: Likely benign for Hypertrophic cardiomyopathy. Last evaluated: 2025-09-29. Review status: criteria provided, single submitter. Criteria: Invitae Variant Classification Sherloc (09022015). Collection method: clinical testing. Allele origin: germline.

All of Us Research Program, National Institutes of Health
Classification: Likely benign for Hypertrophic cardiomyopathy. Last evaluated: 2023-09-17. Review status: criteria provided, single submitter. Criteria: ACMG Guidelines, 2015. Collection method: clinical testing. Allele origin: germline. Inheritance: Autosomal dominant inheritance. Observed: 4 variant alleles, 4 heterozygotes.
Comment: This study involves interpretation of variants in research participants for the purpose of population health screening. Participant phenotype was not available at the time of variant classification. Additional details can be found in publication PMID: 35346344, PMCID: PMC8962531

Ambry Genetics
Classification: Likely benign for Cardiovascular phenotype. Last evaluated: 2023-01-29. Review status: criteria provided, single submitter. Criteria: Ambry Variant Classification Scheme 2023. Collection method: clinical testing. Allele origin: germline.

Color Diagnostics, LLC DBA Color Health
Classification: Likely benign for Cardiomyopathy. Last evaluated: 2018-11-27. Review status: criteria provided, single submitter. Criteria: ACMG Guidelines, 2015. Collection method: clinical testing. Allele origin: germline.

GeneDx
Classification: Likely benign. Last evaluated: 2015-10-12. Review status: criteria provided, single submitter. Criteria: GeneDx Variant Classification (06012015). Collection method: clinical testing. Allele origin: germline. Affected: yes.
Comment: This variant is considered likely benign or benign based on one or more of the following criteria: it is a conservative change, it occurs at a poorly conserved position in the protein, it is predicted to be benign by multiple in silico algorithms, and/or has population frequency not consistent with disease.

Breakthrough Genomics
Classification: Likely benign. Review status: criteria provided, single submitter. Criteria: ACMG Guidelines, 2015. Collection method: not provided. Allele origin: germline. Inheritance: Autosomal dominant inheritance. Affected: yes.

NM_000256.3(MYBPC3):c.2409C>A (p.Ile803=)

Gene: MYBPC3 (myosin binding protein C3; minus strand). Cytogenetic location: 11p11.2.
Variant type: single nucleotide variant.
Coding change: c.2409C>A on transcript NM_000256.3 (MANE Select); coding-DNA position 2409, C replaced by A.
Protein change: p.Ile803=; no amino-acid change (isoleucine 803 retained).
Molecular consequence: synonymous variant.
Genome position (GRCh38, 1-based): chr11:47,337,694, G>T on the plus strand (C>A on the coding strand, the complement: MYBPC3 is on the minus strand). VCF-style: chr11-47337694-G-T. GRCh37 (hg19) VCF-style: chr11-47359245-G-T.
Other names: c.2409C>A, p.Ile803= (LRG_386t1).
Identifiers: ClinVar variation 381042 (VCV000381042.15), dbSNP rs202088839, ClinGen allele CA078685.